The following is an entry in ClinVar:

NM_004517.4(ILK):c.1153C>A (p.Leu385Met)

Genes: ILK (integrin linked kinase; plus strand), TAF10 (TATA-box binding protein associated factor 10; minus strand). Cytogenetic location: 11p15.4.
Variant type: single nucleotide variant.
Coding change: c.1153C>A on transcript NM_004517.4 (MANE Select); coding-DNA position 1153, C replaced by A.
Protein change: p.Leu385Met; replaces leucine 385 with methionine.
Molecular consequence: missense variant. On other transcripts: 3 prime UTR variant (1).
Genome position (GRCh38, 1-based): chr11:6,610,222, C>A. VCF-style: chr11-6610222-C-A. GRCh37 (hg19) VCF-style: chr11-6631453-C-A.
Other names: c.1153C>A, p.Leu385Met (NM_001014794.3, NM_001014795.3); c.970C>A, p.Leu324Met (NM_001278441.2); c.751C>A, p.Leu251Met (NM_001278442.2); c.*700G>T (NM_006284.4); short protein forms L251M, L324M, L385M.
Identifiers: ClinVar variation 3224302 (VCV003224302.1), dbSNP rs2493779703, ClinGen allele CA379467249.

ClinVar aggregate classification (germline): Uncertain significance (1 of 4 stars; one submission).

Allele frequency attached by ClinVar (database versions not stated): gnomAD exomes 0.00001.
gnomAD v4.1: 6 of 1,614,232 alleles (0.00037%); highest among the groups gnomAD compares: Non-Finnish European, 0.00051%; no homozygotes.

Submission:

Ambry Genetics
Classification: Uncertain significance. Last evaluated: 2024-01-23. Review status: criteria provided, single submitter. Criteria: Ambry Variant Classification Scheme 2023. Collection method: clinical testing. Allele origin: germline.
Comment: The p.L385M variant (also known as c.1153C>A), located in coding exon 11 of the ILK gene, results from a C to A substitution at nucleotide position 1153. The leucine at codon 385 is replaced by methionine, an amino acid with highly similar properties. This amino acid position is conserved. In addition, the in silico prediction for this alteration is inconclusive. Based on the available evidence, the clinical significance of this alteration remains unclear.